The following is an entry in ClinVar:

NM_001040108.2(MLH3):c.2547T>C (p.Ser849=)

Gene: MLH3 (mutL homolog 3; minus strand). Cytogenetic location: 14q24.3.
Variant type: single nucleotide variant.
Coding change: c.2547T>C on transcript NM_001040108.2 (MANE Select); coding-DNA position 2547, T replaced by C.
Protein change: p.Ser849=; no amino-acid change (serine 849 retained).
Molecular consequence: synonymous variant.
Genome position (GRCh38, 1-based): chr14:75,047,109, A>G on the plus strand (T>C on the coding strand, the complement: MLH3 is on the minus strand). VCF-style: chr14-75047109-A-G. GRCh37 (hg19) VCF-style: chr14-75513812-A-G.
Other names: c.2547T>C, p.Ser849= (NM_014381.3).
Identifiers: ClinVar variation 544290 (VCV000544290.24), dbSNP rs183078420, ClinGen allele CA7275686.

ClinVar aggregate classification (germline): Benign/Likely benign. Review status: criteria provided, multiple submitters, no conflicts (2 of 4 stars). 6 submissions from 6 submitters: Benign (1); Likely benign (4). 1 of the submissions does not count toward it. Last evaluated 2026-05-05.

Conditions:
Endometrial carcinoma. Also called: Endometrial carcinoma, somatic. Identifiers: MedGen C0476089, MONDO:0002447, OMIM 608089, HP:0012114.
Colorectal cancer. Also called: Colorectal cancer, somatic; Malignant Colorectal Neoplasm. Identifiers: MedGen C0346629, MONDO:0005575, OMIM 114500.
Colorectal cancer, hereditary nonpolyposis, type 7. Identifiers: Orphanet 144, MedGen C1858380, MONDO:0013725, OMIM 614385.
MLH3-related disorder. Also called: MLH3-related condition.

Allele frequency attached by ClinVar (database versions not stated): TOPMed 0.00017; gnomAD 0.00018 and 0.00017; 1000 Genomes Project 0.00020; 1000 Genomes Project 30x 0.00031; ExAC 0.00009; gnomAD exomes 0.00009; ESP Exome Variant Server 0.00023.

Submissions (6):

Myriad Genetics, Inc.
Classification: Benign for Colorectal cancer, hereditary nonpolyposis, type 7. Last evaluated: 2026-05-05. Review status: criteria provided, single submitter. Criteria: Myriad Autosomal Dominant, Autosomal Recessive and X-Linked Classification Criteria (2023). Collection method: clinical testing. Allele origin: unknown.
Comment: This variant is considered benign. This variant is a silent/synonymous amino acid change and it is not expected to impact splicing.

Labcorp Genetics (formerly Invitae), Labcorp
Classification: Likely benign for Colorectal cancer, hereditary nonpolyposis, type 7. Last evaluated: 2025-12-08. Review status: criteria provided, single submitter. Criteria: Invitae Variant Classification Sherloc (09022015). Collection method: clinical testing. Allele origin: germline.

Center for Genomic Medicine, Rigshospitalet, Copenhagen University Hospital
Classification: Likely benign. Last evaluated: 2025-03-04. Review status: criteria provided, single submitter. Criteria: ACMG Guidelines, 2015. Collection method: clinical testing. Allele origin: germline.

Department of Pathology and Laboratory Medicine, Sinai Health System
Classification: Likely benign for Colorectal cancer; Endometrial carcinoma; Colorectal cancer, hereditary nonpolyposis, type 7. Last evaluated: 2022-07-06. Review status: criteria provided, single submitter. Criteria: ACMG Guidelines, 2015. Collection method: clinical testing. Allele origin: germline. Affected: yes.

Ambry Genetics
Classification: Likely benign. Last evaluated: 2021-02-18. Review status: criteria provided, single submitter. Criteria: Ambry Variant Classification Scheme 2023. Collection method: clinical testing. Allele origin: germline.

PreventionGenetics, part of Exact Sciences
Classification: Likely benign for MLH3-related condition. Last evaluated: 2023-02-28. Review status: no assertion criteria provided. Collection method: clinical testing. Allele origin: germline. Not counted in ClinVar's aggregate classification.
Comment: This variant is classified as likely benign based on ACMG/AMP sequence variant interpretation guidelines (Richards et al. 2015 PMID: 25741868, with internal and published modifications).